The following is an entry in ClinVar:

NM_153006.3(NAGS):c.1328del (p.Asp443fs)

Gene: NAGS (N-acetylglutamate synthase; plus strand). Cytogenetic location: 17q21.31.
Variant type: Deletion.
Coding change: c.1328del on transcript NM_153006.3 (MANE Select); coding-DNA position 1328, one base deleted (A; older notation c.1328delA).
Protein change: p.Asp443fs; shifts the reading frame from aspartic acid 443.
Molecular consequence: frameshift variant.
Genome position (GRCh38, 1-based): chr17:44,007,650, A deleted. VCF-style (leftmost placement, unchanged base first): chr17-44007649-GA-G. GRCh37 (hg19) VCF-style: chr17-42085017-GA-G.
Other names: short protein forms D443fs.
Identifiers: ClinVar variation 2734569 (VCV002734569.3), dbSNP rs2509283908, ClinGen allele CA2697559936.

ClinVar aggregate classification (germline): Pathogenic (1 of 4 stars; one submission).

Conditions:
Hyperammonemia, type III (NAGSD). Also called: Hyperammonemia due to N-acetylglutamate synthase deficiency. Identifiers: Orphanet 927, MedGen C0268543, MONDO:0009377, OMIM 237310.

Submission:

Labcorp Genetics (formerly Invitae), Labcorp
Classification: Pathogenic for Hyperammonemia, type III. Last evaluated: 2023-05-27. Review status: criteria provided, single submitter. Criteria: Invitae Variant Classification Sherloc (09022015). Collection method: clinical testing. Allele origin: germline.
Comment: For these reasons, this variant has been classified as Pathogenic. This variant has not been reported in the literature in individuals affected with NAGS-related conditions. This variant is not present in population databases (gnomAD no frequency). This sequence change creates a premature translational stop signal (p.Asp443Alafs*5) in the NAGS gene. It is expected to result in an absent or disrupted protein product. Loss-of-function variants in NAGS are known to be pathogenic (PMID: 12594532).

Literature cited by the submitters: PubMed 12594532.